The following is an entry in ClinVar:

ClinVar aggregate classification (germline): Uncertain significance (1 of 4 stars; one submission).

Conditions:
Familial cancer of breast. Also called: BREAST CANCER, FAMILIAL; hereditary breast carcinoma; Hereditary breast cancer. Identifiers: Orphanet 227535, MedGen C0346153, MONDO:0016419, OMIM 114480. Disease mechanism: loss of function.

Submission:

Labcorp Genetics (formerly Invitae), Labcorp
Classification: Uncertain significance for Familial cancer of breast. Last evaluated: 2021-09-18. Review status: criteria provided, single submitter. Criteria: Invitae Variant Classification Sherloc (09022015). Collection method: clinical testing. Allele origin: germline.
Comment: This sequence change replaces valine with phenylalanine at codon 463 of the CHEK2 protein (p.Val463Phe). The valine residue is highly conserved and there is a small physicochemical difference between valine and phenylalanine. This variant is not present in population databases (ExAC no frequency). This variant has not been reported in the literature in individuals affected with CHEK2-related conditions. Algorithms developed to predict the effect of missense changes on protein structure and function are either unavailable or do not agree on the potential impact of this missense change (SIFT: "Deleterious"; PolyPhen-2: "Probably Damaging"; Align-GVGD: "Class C0"). In summary, the available evidence is currently insufficient to determine the role of this variant in disease. Therefore, it has been classified as a Variant of Uncertain Significance.

NM_007194.4(CHEK2):c.1387G>T (p.Val463Phe)

Gene: CHEK2 (checkpoint kinase 2; minus strand). Cytogenetic location: 22q12.1.
Variant type: single nucleotide variant.
Coding change: c.1387G>T on transcript NM_007194.4 (MANE Select); coding-DNA position 1387, G replaced by T.
Protein change: p.Val463Phe; replaces valine 463 with phenylalanine.
Molecular consequence: missense variant.
Genome position (GRCh38, 1-based): chr22:28,694,106, C>A on the plus strand (G>T on the coding strand, the complement: CHEK2 is on the minus strand). VCF-style: chr22-28694106-C-A. GRCh37 (hg19) VCF-style: chr22-29090094-C-A.
Other names: c.1516G>T, p.Val506Phe (NM_001005735.3); c.724G>T, p.Val242Phe (NM_001257387.3); c.1186G>T, p.Val396Phe (NM_001349956.3); c.1300G>T, p.Val434Phe (NM_145862.3); short protein forms V463F, V434F, V396F, V506F, V242F.
Identifiers: ClinVar variation 460801 (VCV000460801.7), dbSNP rs1555913172, ClinGen allele CA411094510.
Genomic context (GRCh38, chr22:28,694,106, plus strand): 5'-GTCTTAAGGCTTCTTCTGTCGTAAAACGTGCCTTTGGATCCACTACCAACAACTTCTTGA[C>A]AAGGTCCAGAGCTAAAGCAACAATTGGGCAAATCACAGTGAAAAGGATAAATATATTATC-3'
Protein context (NP_009125.1, residues 453-473): AEVSEKALDL[Val463Phe]KKLLVVDPKA